The following is an entry in ClinVar:

ClinVar aggregate classification (germline): Conflicting classifications of pathogenicity. Review status: criteria provided, conflicting classifications (1 of 4 stars). 4 submissions from 4 submitters: Uncertain significance (1); Likely benign (3). Last evaluated 2025-04-08.

Conditions:
Pigmentary pallidal degeneration (NBIA1). Also called: Neurodegeneration with brain iron accumulation 1; Pantothenate Kinase-Associated Neurodegeneration; HARP SYNDROME; Neuroaxonal dystrophy, late infantile; Hallervorden-Spatz disease; PKAN NEUROAXONAL DYSTROPHY, JUVENILE-ONSET. Identifiers: Orphanet 157850, MedGen C0018523, MONDO:0009319, OMIM 234200.

Allele frequency attached by ClinVar (database versions not stated): gnomAD 0.00002 and 0.00003; TOPMed 0.00004; ExAC 0.00007; gnomAD exomes 0.00007.
gnomAD v4.1: 73 of 1,614,220 alleles (0.0045%); highest among the groups gnomAD compares: South Asian, 0.04%; no homozygotes.

Submissions (4):

Labcorp Genetics (formerly Invitae), Labcorp
Classification: Likely benign for Pigmentary pallidal degeneration. Last evaluated: 2025-04-08. Review status: criteria provided, single submitter. Criteria: Invitae Variant Classification Sherloc (09022015). Collection method: clinical testing. Allele origin: germline.

Blueprint Genetics
Classification: Likely benign. Last evaluated: 2024-02-08. Review status: criteria provided, single submitter. Criteria: ACMG Guidelines, 2015. Collection method: clinical testing. Allele origin: germline.

CeGaT Center for Human Genetics Tuebingen
Classification: Likely benign. Last evaluated: 2023-12-01. Review status: criteria provided, single submitter. Criteria: CeGaT Center For Human Genetics Tuebingen Variant Classification Criteria Version 2. Collection method: clinical testing. Allele origin: germline. Affected: yes. Observed: 1 variant allele.
Comment: PANK2: BP4, BP7

Eurofins Ntd Llc (ga)
Classification: Uncertain significance. Last evaluated: 2016-05-13. Review status: criteria provided, single submitter. Criteria: EGL Classification Definitions 2015. Collection method: clinical testing. Allele origin: germline. Observed: 1 variant allele, 1 heterozygote.

NM_001386393.1(PANK2):c.744A>C (p.Ser248=)

Gene: PANK2 (pantothenate kinase 2; plus strand). Cytogenetic location: 20p13.
Variant type: single nucleotide variant.
Coding change: c.744A>C on transcript NM_001386393.1 (MANE Select); coding-DNA position 744, A replaced by C.
Protein change: p.Ser248=; no amino-acid change (serine 248 retained).
Molecular consequence: synonymous variant. On other transcripts: 5 prime UTR variant (1), non-coding transcript variant (1).
Genome position (GRCh38, 1-based): chr20:3,910,669, A>C. VCF-style: chr20-3910669-A-C. GRCh37 (hg19) VCF-style: chr20-3891316-A-C.
Other names: c.201A>C, p.Ser67= (NM_001324191.2, NM_024960.6, NM_153640.4); c.-235A>C (NM_001324193.2); c.1074A>C, p.Ser358= (NM_153638.4).
Identifiers: ClinVar variation 287218 (VCV000287218.37), dbSNP rs778370524, ClinGen allele CA9750763.